The following is an entry in ClinVar:

NM_004944.4(DNASE1L3):c.384T>A (p.Asp128Glu)

Gene: DNASE1L3 (deoxyribonuclease 1L3; minus strand). Cytogenetic location: 3p14.3.
Variant type: single nucleotide variant.
Coding change: c.384T>A on transcript NM_004944.4 (MANE Select); coding-DNA position 384, T replaced by A.
Protein change: p.Asp128Glu; replaces aspartic acid 128 with glutamic acid.
Molecular consequence: missense variant.
Genome position (GRCh38, 1-based): chr3:58,204,818, A>T on the plus strand (T>A on the coding strand, the complement: DNASE1L3 is on the minus strand). VCF-style: chr3-58204818-A-T. GRCh37 (hg19) VCF-style: chr3-58190545-A-T.
Other names: c.294T>A, p.Asp98Glu (NM_001256560.2); c.384T>A (NM_004944.2); short protein forms D128E, D98E.
Identifiers: ClinVar variation 1378335 (VCV001378335.7), dbSNP rs374838291, ClinGen allele CA2470022.

ClinVar aggregate classification (germline): Uncertain significance. Review status: criteria provided, multiple submitters, no conflicts (2 of 4 stars). 3 submissions from 3 submitters: Uncertain significance (3). Last evaluated 2025-11-19.

Conditions:
Autosomal systemic lupus erythematosus type 16. Also called: Systemic lupus erythematosus 16. Identifiers: Orphanet 300345, MedGen C3280742, MONDO:0013743, OMIM 614420.
Inborn genetic diseases. Identifiers: MedGen C0950123, MeSH D030342.

Allele frequency attached by ClinVar (database versions not stated): ESP Exome Variant Server 0.00008.
gnomAD v4.1: 13 of 1,614,144 alleles (0.00081%); highest among the groups gnomAD compares: Non-Finnish European, 0.0011%; no homozygotes.

Submissions (3):

Ambry Genetics
Classification: Uncertain significance for Inborn genetic diseases. Last evaluated: 2025-11-19. Review status: criteria provided, single submitter. Criteria: Ambry Variant Classification Scheme 2023. Collection method: clinical testing. Allele origin: germline.

Fulgent Genetics
Classification: Uncertain significance for Autosomal systemic lupus erythematosus type 16. Last evaluated: 2021-11-30. Review status: criteria provided, single submitter. Criteria: ACMG Guidelines, 2015. Collection method: clinical testing. Allele origin: unknown.

Labcorp Genetics (formerly Invitae), Labcorp
Classification: Uncertain significance. Last evaluated: 2021-08-24. Review status: criteria provided, single submitter. Criteria: Invitae Variant Classification Sherloc (09022015). Collection method: clinical testing. Allele origin: germline.
Comment: This sequence change replaces aspartic acid with glutamic acid at codon 128 of the DNASE1L3 protein (p.Asp128Glu). The aspartic acid residue is highly conserved and there is a small physicochemical difference between aspartic acid and glutamic acid. This variant is present in population databases (rs374838291, ExAC 0.001%). This variant has not been reported in the literature in individuals affected with DNASE1L3-related conditions. Algorithms developed to predict the effect of missense changes on protein structure and function (SIFT, PolyPhen-2, Align-GVGD) all suggest that this variant is likely to be disruptive. In summary, the available evidence is currently insufficient to determine the role of this variant in disease. Therefore, it has been classified as a Variant of Uncertain Significance.